The following is an entry in ClinVar:

NM_001039569.2(AP1S3):c.3+9G>C

Genes: AP1S3 (adaptor related protein complex 1 subunit sigma 3; minus strand), LOC129935691 (ATAC-STARR-seq lymphoblastoid silent region 12376; plus strand). Cytogenetic location: 2q36.1.
Variant type: single nucleotide variant.
Coding change: c.3+9G>C on transcript NM_001039569.2 (MANE Select); 9 bases into the intron after coding-DNA position 3, G replaced by C.
Molecular consequence: intron variant.
Genome position (GRCh38, 1-based): chr2:223,837,439, C>G on the plus strand (G>C on the coding strand, the complement: AP1S3 is on the minus strand). VCF-style: chr2-223837439-C-G. GRCh37 (hg19) VCF-style: chr2-224702156-C-G.
Identifiers: ClinVar variation 3050615 (VCV003050615.3), dbSNP rs747747935, ClinGen allele CA2138446.

ClinVar aggregate classification (germline): Likely benign. Review status: criteria provided, single submitter (1 of 4 stars). 2 submissions from 2 submitters: Likely benign (1). 1 of the submissions does not count toward it. Last evaluated 2024-06-27.

Conditions:
AP1S3-related disorder. Also called: AP1S3-related condition.

Allele frequency attached by ClinVar (database versions not stated): TOPMed 0.00001; 1000 Genomes Project 30x 0.00016.
gnomAD v4.1: 52 of 1,267,012 alleles (0.0041%); highest among the groups gnomAD compares: East Asian, 0.12%; 1 homozygote.

Submissions (2):

Blueprint Genetics
Classification: Likely benign. Last evaluated: 2024-06-27. Review status: criteria provided, single submitter. Criteria: ACMG Guidelines, 2015. Collection method: clinical testing. Allele origin: germline.

PreventionGenetics, part of Exact Sciences
Classification: Likely benign for AP1S3-related condition. Last evaluated: 2019-07-15. Review status: no assertion criteria provided. Collection method: clinical testing. Allele origin: germline. Not counted in ClinVar's aggregate classification.
Comment: This variant is classified as likely benign based on ACMG/AMP sequence variant interpretation guidelines (Richards et al. 2015 PMID: 25741868, with internal and published modifications).